The following is an entry in ClinVar:

NM_000979.4(RPL18):c.16C>T (p.Arg6Cys)

Gene: RPL18 (ribosomal protein L18; minus strand). Cytogenetic location: 19q13.33.
Variant type: single nucleotide variant.
Coding change: c.16C>T on transcript NM_000979.4 (MANE Select); coding-DNA position 16, C replaced by T.
Protein change: p.Arg6Cys; replaces arginine 6 with cysteine.
Molecular consequence: missense variant. On other transcripts: non-coding transcript variant (1), intron variant (1).
Genome position (GRCh38, 1-based): chr19:48,617,865, G>A on the plus strand (C>T on the coding strand, the complement: RPL18 is on the minus strand). VCF-style: chr19-48617865-G-A. GRCh37 (hg19) VCF-style: chr19-49121122-G-A.
Other names: c.4-442C>T (NM_001270490.2); short protein forms R6C.
Identifiers: ClinVar variation 2532570 (VCV002532570.5), dbSNP rs146179249, ClinGen allele CA9554315.

ClinVar aggregate classification (germline): Uncertain significance. Review status: criteria provided, multiple submitters, no conflicts (2 of 4 stars). 2 submissions from 2 submitters: Uncertain significance (2). Last evaluated 2023-08-23.

Allele frequency attached by ClinVar (database versions not stated): ExAC 0.00001; gnomAD exomes 0.00001; ESP Exome Variant Server 0.00008.
gnomAD v4.1: 15 of 1,613,710 alleles (0.00093%); highest among the groups gnomAD compares: South Asian, 0.0088%; no homozygotes.

Submissions (2):

Labcorp Genetics (formerly Invitae), Labcorp
Classification: Uncertain significance. Last evaluated: 2023-08-23. Review status: criteria provided, single submitter. Criteria: Invitae Variant Classification Sherloc (09022015). Collection method: clinical testing. Allele origin: germline.
Comment: ClinVar contains an entry for this variant (Variation ID: 2532570). This variant has not been reported in the literature in individuals affected with RPL18-related conditions. This variant is present in population databases (rs146179249, gnomAD 0.004%). This sequence change replaces arginine, which is basic and polar, with cysteine, which is neutral and slightly polar, at codon 6 of the RPL18 protein (p.Arg6Cys). An algorithm developed to predict the effect of missense changes on protein structure and function (PolyPhen-2) suggests that this variant is likely to be tolerated. In summary, the available evidence is currently insufficient to determine the role of this variant in disease. Therefore, it has been classified as a Variant of Uncertain Significance.

Ambry Genetics
Classification: Uncertain significance. Last evaluated: 2023-04-04. Review status: criteria provided, single submitter. Criteria: Ambry Variant Classification Scheme 2023. Collection method: clinical testing. Allele origin: germline.